The following is an entry in ClinVar:

ClinVar aggregate classification (germline): Uncertain significance. Review status: criteria provided, multiple submitters, no conflicts (2 of 4 stars). 2 submissions from 2 submitters: Uncertain significance (2). Last evaluated 2025-10-14.

Conditions:
Inborn genetic diseases. Identifiers: MedGen C0950123, MeSH D030342.

Allele frequency attached by ClinVar (database versions not stated): gnomAD exomes 0.00002; TOPMed 0.00002; gnomAD 0.00001.
gnomAD v4.1: 25 of 1,613,660 alleles (0.0015%); highest among the groups gnomAD compares: Admixed American, 0.0033%; no homozygotes.

Submissions (2):

Ambry Genetics
Classification: Uncertain significance for Inborn genetic diseases. Last evaluated: 2025-10-14. Review status: criteria provided, single submitter. Criteria: Ambry Variant Classification Scheme 2023. Collection method: clinical testing. Allele origin: germline.

GeneDx
Classification: Uncertain significance. Last evaluated: 2022-07-07. Review status: criteria provided, single submitter. Criteria: GeneDx Variant Classification Process June 2021. Collection method: clinical testing. Allele origin: germline. Affected: yes.
Comment: In silico analysis supports that this missense variant has a deleterious effect on protein structure/function; Has not been previously published as pathogenic or benign to our knowledge

NM_000096.4(CP):c.2961G>A (p.Met987Ile)

Gene: CP (ceruloplasmin; minus strand). Cytogenetic location: 3q24.
Variant type: single nucleotide variant.
Coding change: c.2961G>A on transcript NM_000096.4 (MANE Select); coding-DNA position 2961, G replaced by A.
Protein change: p.Met987Ile; replaces methionine 987 with isoleucine.
Molecular consequence: missense variant. On other transcripts: non-coding transcript variant (1).
Genome position (GRCh38, 1-based): chr3:149,177,897, C>T on the plus strand (G>A on the coding strand, the complement: CP is on the minus strand). VCF-style: chr3-149177897-C-T. GRCh37 (hg19) VCF-style: chr3-148895684-C-T.
Other names: short protein forms M987I.
Identifiers: ClinVar variation 1810521 (VCV001810521.2), dbSNP rs1460906961, ClinGen allele CA354929214.